The following is an entry in ClinVar:

NM_000428.3(LTBP2):c.803C>T (p.Pro268Leu)

Gene: LTBP2 (latent transforming growth factor beta binding protein 2; minus strand). Cytogenetic location: 14q24.3.
Variant type: single nucleotide variant.
Coding change: c.803C>T on transcript NM_000428.3 (MANE Select); coding-DNA position 803, C replaced by T.
Protein change: p.Pro268Leu; replaces proline 268 with leucine.
Molecular consequence: missense variant.
Genome position (GRCh38, 1-based): chr14:74,585,881, G>A on the plus strand (C>T on the coding strand, the complement: LTBP2 is on the minus strand). VCF-style: chr14-74585881-G-A. GRCh37 (hg19) VCF-style: chr14-75052584-G-A.
Other names: c.803C>T (NM_000428.2); short protein forms P268L.
Identifiers: ClinVar variation 1982790 (VCV001982790.3), dbSNP rs559429252, ClinGen allele CA7270094.

ClinVar aggregate classification (germline): Uncertain significance. Review status: criteria provided, multiple submitters, no conflicts (2 of 4 stars). 2 submissions from 2 submitters: Uncertain significance (2). Last evaluated 2025-05-05.

Conditions:
Inborn genetic diseases. Identifiers: MedGen C0950123, MeSH D030342.

Allele frequency attached by ClinVar (database versions not stated): TOPMed 0.00004; gnomAD 0.00003; 1000 Genomes Project 30x 0.00016; ExAC 0.00002; 1000 Genomes Project 0.00020.
gnomAD v4.1: 39 of 1,613,932 alleles (0.0024%); highest among the groups gnomAD compares: African/African-American, 0.008%; no homozygotes.

Submissions (2):

Ambry Genetics
Classification: Uncertain significance for Inborn genetic diseases. Last evaluated: 2025-05-05. Review status: criteria provided, single submitter. Criteria: Ambry Variant Classification Scheme 2023. Collection method: clinical testing. Allele origin: germline.

Labcorp Genetics (formerly Invitae), Labcorp
Classification: Uncertain significance. Last evaluated: 2024-04-09. Review status: criteria provided, single submitter. Criteria: Invitae Variant Classification Sherloc (09022015). Collection method: clinical testing. Allele origin: germline.
Comment: This sequence change replaces proline, which is neutral and non-polar, with leucine, which is neutral and non-polar, at codon 268 of the LTBP2 protein (p.Pro268Leu). This variant is present in population databases (rs559429252, gnomAD 0.01%). This variant has not been reported in the literature in individuals affected with LTBP2-related conditions. ClinVar contains an entry for this variant (Variation ID: 1982790). An algorithm developed to predict the effect of missense changes on protein structure and function (PolyPhen-2) suggests that this variant¬†is likely to be tolerated. In summary, the available evidence is currently insufficient to determine the role of this variant in disease. Therefore, it has been classified as a Variant of Uncertain Significance.